The following is an entry in ClinVar:

NM_022042.4(SLC26A1):c.1688G>A (p.Gly563Glu)

Genes: IDUA (alpha-L-iduronidase; plus strand), SLC26A1 (solute carrier family 26 member 1; minus strand). Cytogenetic location: 4p16.3.
Variant type: single nucleotide variant.
Coding change: c.1688G>A on transcript NM_022042.4 (MANE Select); coding-DNA position 1688, G replaced by A.
Protein change: p.Gly563Glu; replaces glycine 563 with glutamic acid.
Molecular consequence: missense variant. On other transcripts: intron variant (2).
Genome position (GRCh38, 1-based): chr4:989,251, C>T on the plus strand (G>A on the coding strand, the complement: SLC26A1 is on the minus strand). VCF-style: chr4-989251-C-T. GRCh37 (hg19) VCF-style: chr4-983039-C-T.
Other names: c.1688G>A, p.Gly563Glu (NM_213613.4); c.576+1877G>A (NM_134425.4); c.299+1302C>T (NM_000203.5); short protein forms G563E.
Identifiers: ClinVar variation 3623495 (VCV003623495.2).

ClinVar aggregate classification (germline): Uncertain significance (1 of 4 stars; one submission).

gnomAD v4.1: 2 of 1,612,680 alleles (0.00012%); highest among the groups gnomAD compares: Non-Finnish European, 0.000085%; no homozygotes.

Submission:

Labcorp Genetics (formerly Invitae), Labcorp
Classification: Uncertain significance. Last evaluated: 2024-06-13. Review status: criteria provided, single submitter. Criteria: Invitae Variant Classification Sherloc (09022015). Collection method: clinical testing. Allele origin: germline.
Comment: This sequence change replaces glycine, which is neutral and non-polar, with glutamic acid, which is acidic and polar, at codon 563 of the SLC26A1 protein (p.Gly563Glu). This variant is present in population databases (rs750400470, gnomAD 0.0009%). This variant has not been reported in the literature in individuals affected with SLC26A1-related conditions. Advanced modeling of protein sequence and biophysical properties (such as structural, functional, and spatial information, amino acid conservation, physicochemical variation, residue mobility, and thermodynamic stability) performed at Invitae indicates that this missense variant is not expected to disrupt SLC26A1 protein function with a negative predictive value of 80%. In summary, the available evidence is currently insufficient to determine the role of this variant in disease. Therefore, it has been classified as a Variant of Uncertain Significance.